The following is an entry in ClinVar:

ClinVar aggregate classification (germline): Uncertain significance. Review status: criteria provided, multiple submitters, no conflicts (2 of 4 stars). 2 submissions from 2 submitters: Uncertain significance (2). Last evaluated 2025-05-01.

Conditions:
Hereditary cancer-predisposing syndrome. Also called: Neoplastic Syndromes, Hereditary; Tumor predisposition; Hereditary neoplastic syndrome; Hereditary Cancer Syndrome. Identifiers: Orphanet 140162, MedGen C0027672, MeSH D009386, MONDO:0015356.
Familial meningioma. Also called: Meningioma, familial, susceptibility to. Identifiers: Orphanet 263662, MedGen C3551915, MONDO:0011789, OMIM 607174.

Submissions (2):

Labcorp Genetics (formerly Invitae), Labcorp
Classification: Uncertain significance for Familial meningioma. Last evaluated: 2025-05-01. Review status: criteria provided, single submitter. Criteria: Invitae Variant Classification Sherloc (09022015). Collection method: clinical testing. Allele origin: germline.
Comment: This sequence change replaces glutamine, which is neutral and polar, with arginine, which is basic and polar, at codon 324 of the SMARCE1 protein (p.Gln324Arg). This variant is not present in population databases (gnomAD no frequency). This variant has not been reported in the literature in individuals affected with SMARCE1-related conditions. ClinVar contains an entry for this variant (Variation ID: 3320853). Invitae Evidence Modeling of protein sequence and biophysical properties (such as structural, functional, and spatial information, amino acid conservation, physicochemical variation, residue mobility, and thermodynamic stability) indicates that this missense variant is not expected to disrupt SMARCE1 protein function with a negative predictive value of 80%. In summary, the available evidence is currently insufficient to determine the role of this variant in disease. Therefore, it has been classified as a Variant of Uncertain Significance.

Ambry Genetics
Classification: Uncertain significance for Hereditary cancer-predisposing syndrome. Last evaluated: 2024-04-13. Review status: criteria provided, single submitter. Criteria: Ambry Variant Classification Scheme 2023. Collection method: clinical testing. Allele origin: germline.
Comment: The p.Q324R variant (also known as c.971A>G), located in coding exon 9 of the SMARCE1 gene, results from an A to G substitution at nucleotide position 971. The glutamine at codon 324 is replaced by arginine, an amino acid with highly similar properties. This amino acid position is conserved. In addition, this alteration is predicted to be tolerated by in silico analysis. Based on the available evidence, the clinical significance of this variant remains unclear.

NM_003079.5(SMARCE1):c.971A>G (p.Gln324Arg)

Gene: SMARCE1 (SWI/SNF related BAF chromatin remodeling complex subunit E1; minus strand). Cytogenetic location: 17q21.2.
Variant type: single nucleotide variant.
Coding change: c.971A>G on transcript NM_003079.5 (MANE Select); coding-DNA position 971, A replaced by G.
Protein change: p.Gln324Arg; replaces glutamine 324 with arginine.
Molecular consequence: missense variant.
Genome position (GRCh38, 1-based): chr17:40,630,770, T>C on the plus strand (A>G on the coding strand, the complement: SMARCE1 is on the minus strand). VCF-style: chr17-40630770-T-C. GRCh37 (hg19) VCF-style: chr17-38787022-T-C.
Other names: short protein forms Q324R.
Identifiers: ClinVar variation 3320853 (VCV003320853.2).